The following is an entry in ClinVar:

ClinVar aggregate classification (germline): Uncertain significance (1 of 4 stars; one submission).

Allele frequency attached by ClinVar (database versions not stated): TOPMed 0.00001.

Submission:

Center for Pediatric Genomic Medicine, Children's Mercy Hospital and Clinics
Classification: Uncertain significance. Last evaluated: 2016-09-13. Review status: criteria provided, single submitter. Criteria: ACMG Guidelines, 2015. Collection method: clinical testing. Allele origin: germline.
ClinVar note: Converted during submission from Uncertain Significance to Uncertain significance.

NM_004287.5(GOSR2):c.83A>C (p.Gln28Pro)

Genes: GOSR2 (golgi SNAP receptor complex member 2; plus strand), LRRC37A2 (leucine rich repeat containing 37 member A2). Cytogenetic location: 17q21.32.
Variant type: single nucleotide variant.
Coding change: c.83A>C on transcript NM_004287.5 (MANE Select); coding-DNA position 83, A replaced by C.
Protein change: p.Gln28Pro; replaces glutamine 28 with proline.
Molecular consequence: missense variant. On other transcripts: non-coding transcript variant (3).
Genome position (GRCh38, 1-based): chr17:46,929,573, A>C. VCF-style: chr17-46929573-A-C. GRCh37 (hg19) VCF-style: chr17-45006939-A-C.
Other names: c.83A>C, p.Gln28Pro (NM_001012511.3, NM_001321133.2, NM_001330252.2 and 4 more transcripts); c.29A>C, p.Gln10Pro (NM_001321134.2, NM_001363851.2); short protein forms Q28P, Q10P.
Identifiers: ClinVar variation 376884 (VCV000376884.3), dbSNP rs1057520082, ClinGen allele CA16603202.